The following is an entry in ClinVar:

ClinVar aggregate classification (germline): Uncertain significance (1 of 4 stars; one submission).

Conditions:
Gamma-aminobutyric acid transaminase deficiency (GABATD). Also called: GABA aminotransaminase deficiency; GABA transaminase deficiency; Gamma aminobutyrate transaminase deficiency; 4 alpha aminobutyrate transaminase deficiency. Identifiers: Orphanet 2066, MedGen C0342708, MONDO:0013166, OMIM 613163.

Allele frequency attached by ClinVar (database versions not stated): TOPMed below 0.00001; ExAC 0.00001; gnomAD 0.00001; gnomAD exomes 0.00001.
gnomAD v4.1: 12 of 1,614,068 alleles (0.00074%); highest among the groups gnomAD compares: Middle Eastern, 0.016%; no homozygotes.

Submission:

Labcorp Genetics (formerly Invitae), Labcorp
Classification: Uncertain significance for Gamma-aminobutyric acid transaminase deficiency. Last evaluated: 2022-08-22. Review status: criteria provided, single submitter. Criteria: Invitae Variant Classification Sherloc (09022015). Collection method: clinical testing. Allele origin: germline.
Comment: In summary, the available evidence is currently insufficient to determine the role of this variant in disease. Therefore, it has been classified as a Variant of Uncertain Significance. Algorithms developed to predict the effect of missense changes on protein structure and function are either unavailable or do not agree on the potential impact of this missense change (SIFT: "Deleterious"; PolyPhen-2: "Probably Damaging"; Align-GVGD: "Class C0"). ClinVar contains an entry for this variant (Variation ID: 1047772). This variant has not been reported in the literature in individuals affected with ABAT-related conditions. This variant is present in population databases (rs776487124, gnomAD 0.003%). This sequence change replaces proline, which is neutral and non-polar, with leucine, which is neutral and non-polar, at codon 247 of the ABAT protein (p.Pro247Leu).

NM_020686.6(ABAT):c.740C>T (p.Pro247Leu)

Gene: ABAT (4-aminobutyrate aminotransferase; plus strand). Cytogenetic location: 16p13.2.
Variant type: single nucleotide variant.
Coding change: c.740C>T on transcript NM_020686.6 (MANE Select); coding-DNA position 740, C replaced by T.
Protein change: p.Pro247Leu; replaces proline 247 with leucine.
Molecular consequence: missense variant.
Genome position (GRCh38, 1-based): chr16:8,768,897, C>T. VCF-style: chr16-8768897-C-T. GRCh37 (hg19) VCF-style: chr16-8862754-C-T.
Other names: c.740C>T, p.Pro247Leu (NM_000663.5, NM_001127448.2, NM_001386600.1 and 7 more transcripts); c.677C>T, p.Pro226Leu (NM_001386606.1, NM_001386607.1); c.647C>T, p.Pro216Leu (NM_001386608.1); c.605C>T, p.Pro202Leu (NM_001386610.1, NM_001386611.1); c.542C>T, p.Pro181Leu (NM_001386612.1, NM_001386613.1); c.494C>T, p.Pro165Leu (NM_001386614.1); c.836C>T, p.Pro279Leu (NM_001386615.1); short protein forms P165L, P226L, P247L, P216L, P279L, P181L, P202L.
Identifiers: ClinVar variation 1047772 (VCV001047772.9), dbSNP rs776487124, ClinGen allele CA7893277.